The following is an entry in ClinVar:

NM_005591.4(MRE11):c.1766G>T (p.Gly589Val)

Gene: MRE11 (MRE11 double strand break repair nuclease; minus strand). Cytogenetic location: 11q21.
Variant type: single nucleotide variant.
Coding change: c.1766G>T on transcript NM_005591.4 (MANE Select); coding-DNA position 1766, G replaced by T.
Protein change: p.Gly589Val; replaces glycine 589 with valine.
Molecular consequence: missense variant.
Genome position (GRCh38, 1-based): chr11:94,447,236, C>A on the plus strand (G>T on the coding strand, the complement: MRE11 is on the minus strand). VCF-style: chr11-94447236-C-A. GRCh37 (hg19) VCF-style: chr11-94180402-C-A.
Other names: c.1766G>T, p.Gly589Val (NM_001330347.2, NM_001440460.1, NM_001440461.1 and 10 more transcripts); c.1685G>T, p.Gly562Val (NM_001440477.1, NM_001440478.1, NM_001440473.1); c.1628G>T, p.Gly543Val (NM_001440479.1); c.1703G>T, p.Gly568Val (NM_001440481.1, NM_001440467.1, NM_001440468.1 and 2 more transcripts); c.1421G>T, p.Gly474Val (NM_001440482.1, NM_001440483.1, NM_001440484.1); c.1691G>T, p.Gly564Val (NM_001440471.1, NM_001440472.1); c.1298G>T, p.Gly433Val (NM_001440485.1, NM_001440486.1, NM_001440487.1); short protein forms G474V, G564V, G568V, G589V, G433V, G543V, G562V.
Identifiers: ClinVar variation 4824448 (VCV004824448.1).

ClinVar aggregate classification (germline): Uncertain significance (1 of 4 stars; one submission).

Conditions:
Hereditary cancer-predisposing syndrome. Also called: Neoplastic Syndromes, Hereditary; Hereditary neoplastic syndrome; Tumor predisposition; Hereditary Cancer Syndrome. Identifiers: Orphanet 140162, MedGen C0027672, MeSH D009386, MONDO:0015356.

Submission:

Ambry Genetics
Classification: Uncertain significance for Hereditary cancer-predisposing syndrome. Last evaluated: 2026-02-15. Review status: criteria provided, single submitter. Criteria: Ambry Variant Classification Scheme 2023. Collection method: clinical testing. Allele origin: germline.
Comment: The p.G589V variant (also known as c.1766G>T), located in coding exon 14 of the MRE11A gene, results from a G to T substitution at nucleotide position 1766. The glycine at codon 589 is replaced by valine, an amino acid with dissimilar properties. This amino acid position is conserved. In addition, this alteration is predicted to be tolerated by in silico analysis. Based on the available evidence, the clinical significance of this variant remains unclear.